The following is an entry in ClinVar:

ClinVar aggregate classification (germline): Likely pathogenic. Review status: criteria provided, single submitter (1 of 4 stars). 2 submissions from 2 submitters: Likely pathogenic (1). 1 of the submissions does not count toward it. Last evaluated 2022-03-09.

Conditions:
Severe X-linked myotubular myopathy (CNMX). Also called: Myotubular myopathy, X-linked; MYOTUBULAR MYOPATHY 1; X-linked centronuclear myopathy. Identifiers: Orphanet 596, MedGen C0410203, MONDO:0010683, OMIM 310400.

Submissions (2):

Labcorp Genetics (formerly Invitae), Labcorp
Classification: Likely pathogenic for Severe X-linked myotubular myopathy. Last evaluated: 2022-03-09. Review status: criteria provided, single submitter. Criteria: Invitae Variant Classification Sherloc (09022015). Collection method: clinical testing. Allele origin: germline.
Comment: This sequence change affects an acceptor splice site in intron 8 of the MTM1 gene. It is expected to disrupt RNA splicing. Variants that disrupt the donor or acceptor splice site typically lead to a loss of protein function (PMID: 16199547), and loss-of-function variants in MTM1 are known to be pathogenic (PMID: 9305655, 10063835). This variant is not present in population databases (gnomAD no frequency). Disruption of this splice site has been observed in individual(s) with X-linked centronuclear myopathy (PMID: 9305655). This variant is also known as G(733-1)A. Algorithms developed to predict the effect of sequence changes on RNA splicing suggest that this variant may disrupt the consensus splice site. In summary, the currently available evidence indicates that the variant is pathogenic, but additional data are needed to prove that conclusively. Therefore, this variant has been classified as Likely Pathogenic. ClinVar contains an entry for this variant (Variation ID: 11056).

OMIM
Classification: Pathogenic for MYOTUBULAR MYOPATHY, X-LINKED. Last evaluated: 1998-01-01. Review status: no assertion criteria provided. Collection method: literature only. Allele origin: germline. Not counted in ClinVar's aggregate classification.

Literature cited by the submitters: PubMed 16199547 (cited by Labcorp Genetics (formerly Invitae), Labcorp); PubMed 9305655 (cited by Labcorp Genetics (formerly Invitae), Labcorp); PubMed 10063835 (cited by Labcorp Genetics (formerly Invitae), Labcorp); PubMed 9450905 (cited by OMIM).

NM_000252.3(MTM1):c.679-1G>A

Gene: MTM1 (myotubularin 1; plus strand). Cytogenetic location: Xq28.
Variant type: single nucleotide variant.
Coding change: c.679-1G>A on transcript NM_000252.3 (MANE Select); the canonical splice acceptor site of the intron before coding-DNA position 679, G replaced by A.
Molecular consequence: splice acceptor variant.
Genome position (GRCh38, 1-based): chrX:150,645,682, G>A. VCF-style: chrX-150645682-G-A. GRCh37 (hg19) VCF-style: chrX-149814155-G-A.
Other names: IVS8, G-A, -1; c.679-1G>A (NM_001376908.1, NM_001376906.1); c.568-1G>A (NM_001376907.1).
Identifiers: ClinVar variation 11056 (VCV000011056.12), dbSNP rs672601324, ClinGen allele CA255667.